The following is an entry in ClinVar:

NM_001142800.2(EYS):c.5399C>T (p.Pro1800Leu)

Gene: EYS (EGF-like photoreceptor maintenance factor; minus strand). Cytogenetic location: 6q12.
Variant type: single nucleotide variant.
Coding change: c.5399C>T on transcript NM_001142800.2 (MANE Select); coding-DNA position 5399, C replaced by T.
Protein change: p.Pro1800Leu; replaces proline 1800 with leucine.
Molecular consequence: missense variant.
Genome position (GRCh38, 1-based): chr6:64,590,468, G>A on the plus strand (C>T on the coding strand, the complement: EYS is on the minus strand). VCF-style: chr6-64590468-G-A. GRCh37 (hg19) VCF-style: chr6-65300361-G-A.
Other names: c.5399C>T, p.Pro1800Leu (NM_001292009.2); short protein forms P1800L.
Identifiers: ClinVar variation 2154316 (VCV002154316.4), dbSNP rs2533149489, ClinGen allele CA364781192.

ClinVar aggregate classification (germline): Uncertain significance (1 of 4 stars; one submission).

gnomAD v4.1: 1 of 1,551,348 alleles (0.000064%); highest among the groups gnomAD compares: Non-Finnish European, 0.000087%; no homozygotes.

Submission:

Labcorp Genetics (formerly Invitae), Labcorp
Classification: Uncertain significance. Last evaluated: 2022-08-01. Review status: criteria provided, single submitter. Criteria: Invitae Variant Classification Sherloc (09022015). Collection method: clinical testing. Allele origin: germline.
Comment: In summary, the available evidence is currently insufficient to determine the role of this variant in disease. Therefore, it has been classified as a Variant of Uncertain Significance. Algorithms developed to predict the effect of missense changes on protein structure and function (SIFT, PolyPhen-2, Align-GVGD) all suggest that this variant is likely to be tolerated. This variant has not been reported in the literature in individuals affected with EYS-related conditions. This variant is not present in population databases (gnomAD no frequency). This sequence change replaces proline, which is neutral and non-polar, with leucine, which is neutral and non-polar, at codon 1800 of the EYS protein (p.Pro1800Leu).